The following is an entry in ClinVar:

ClinVar aggregate classification (germline): Likely pathogenic. Review status: criteria provided, multiple submitters, no conflicts (2 of 4 stars). 3 submissions from 3 submitters: Likely pathogenic (2). 1 of the submissions does not count toward it. Last evaluated 2024-10-03.

Conditions:
Anauxetic dysplasia. Identifiers: Orphanet 93347, MedGen C1846796, MONDO:0011773.
Metaphyseal chondrodysplasia, McKusick type (CHH). Also called: Cartilage-hair hypoplasia; Cartilage-Hair Hypoplasia (CHH). Identifiers: Orphanet 175, MedGen C0220748, MONDO:0009595, OMIM 250250.

Allele frequency attached by ClinVar (database versions not stated): gnomAD exomes 0.00001; TOPMed 0.00001.

Submissions (3):

Natera, Inc.
Classification: Likely pathogenic for Cartilage-hair hypoplasia. Last evaluated: 2024-10-03. Review status: criteria provided, single submitter. Criteria: Natera Variant Classification Schema (03/2026). Collection method: clinical testing. Allele origin: germline.
Comment: The n.-23_-10dupCTACTCTGTGAAGC variant in RMRP is a duplication affecting the RMRP promoter region between the TATA box and the transcription initiation site. Other duplications and insertions just upstream of the transcription initiation site have been reported in individuals affected with cartilage-hair hypoplasia (PMID: 11207361, 17937437). This variant is rare in the general population with a frequency below the threshold expected for the associated phenotype(s). Given the available evidence, this variant is classified as Likely pathogenic.

Labcorp Genetics (formerly Invitae), Labcorp
Classification: Likely pathogenic for Anauxetic dysplasia. Last evaluated: 2023-03-20. Review status: criteria provided, single submitter. Criteria: Invitae Variant Classification Sherloc (09022015). Collection method: clinical testing. Allele origin: germline.
Comment: In summary, the currently available evidence indicates that the variant is pathogenic, but additional data are needed to prove that conclusively. Therefore, this variant has been classified as Likely Pathogenic. While functional studies for this variant have not been reported, experimental analyses using patient derived cells, as well as in vitro transfection studies, have shown that promoter insertions result in silencing of RMRP transcription and reduced expression of the gene product (PMID: 11207361, 16254002). ClinVar contains an entry for this variant (Variation ID: 555707). While this particular variant has not been reported in the literature, it is located in the promoter region between the TATA box and the transcription initiation site, and other insertions and duplications immediately upstream of the coding sequence have been reported in individuals affected with cartilage-hair hypoplasia-anauxetic dysplasia (CHH-AD) spectrum disorders (PMID: 16244706, 11207361, 12107819). This variant is present in population databases (no rsID available, gnomAD 0.002%). This variant occurs in the RMRP gene, which encodes an RNA molecule that does not result in a protein product.

Counsyl
Classification: Likely pathogenic for Metaphyseal chondrodysplasia, McKusick type. Last evaluated: 2017-12-24. Review status: no assertion criteria provided. Collection method: clinical testing. Allele origin: unknown. Not counted in ClinVar's aggregate classification.

Literature cited by the submitters: PubMed 11207361 (cited by 3 submitters); PubMed 17937437 (cited by Natera, Inc. and Counsyl); PubMed 16254002 (cited by Labcorp Genetics (formerly Invitae), Labcorp and Counsyl); PubMed 16244706 (cited by Labcorp Genetics (formerly Invitae), Labcorp); PubMed 12107819 (cited by Labcorp Genetics (formerly Invitae), Labcorp); PubMed 14608646 (cited by Counsyl).

NR_003051.3(RMRP):n.-23_-10dupCTACTCTGTGAAGC

Gene: RMRP (RNA component of mitochondrial RNA processing endoribonuclease; minus strand). Cytogenetic location: 9p13.3.
Variant type: Duplication.
Genome position: GRCh38 VCF-style: chr9-35658027-A-AGCTTCACAGAGTAG. GRCh37 (hg19) VCF-style: chr9-35658024-A-AGCTTCACAGAGTAG.
Identifiers: ClinVar variation 555707 (VCV000555707.12), dbSNP rs1554651489, ClinGen allele CA587570218.